The following is an entry in ClinVar:

NM_024596.5(MCPH1):c.1809C>T (p.Pro603=)

Gene: MCPH1 (microcephalin 1; plus strand). Cytogenetic location: 8p23.1.
Variant type: single nucleotide variant.
Coding change: c.1809C>T on transcript NM_024596.5 (MANE Select); coding-DNA position 1809, C replaced by T.
Protein change: p.Pro603=; no amino-acid change (proline 603 retained).
Molecular consequence: synonymous variant. On other transcripts: non-coding transcript variant (1).
Genome position (GRCh38, 1-based): chr8:6,445,531, C>T. VCF-style: chr8-6445531-C-T. GRCh37 (hg19) VCF-style: chr8-6303052-C-T.
Other names: c.1809C>T, p.Pro603= (NM_001172574.2, NM_001322042.2, NM_001363979.1 and 1 more transcripts); c.1665C>T, p.Pro555= (NM_001172575.2); c.1803C>T, p.Pro601= (NM_001322043.2); c.1707C>T, p.Pro569= (NM_001322045.2); c.1809C>T (NM_001322042.1).
Identifiers: ClinVar variation 737316 (VCV000737316.10), dbSNP rs757697166, ClinGen allele CA4610647.

ClinVar aggregate classification (germline): Likely benign. Review status: criteria provided, single submitter (1 of 4 stars). 2 submissions from 2 submitters: Likely benign (1). 1 of the submissions does not count toward it. Last evaluated 2025-03-30.

Conditions:
MCPH1-related disorder. Also called: MCPH1-related condition.

Allele frequency attached by ClinVar (database versions not stated): ExAC 0.00001; gnomAD 0.00002; gnomAD exomes 0.00002; TOPMed 0.00003.
gnomAD v4.1: 25 of 1,603,708 alleles (0.0016%); highest among the groups gnomAD compares: East Asian, 0.025%; no homozygotes.

Submissions (2):

Labcorp Genetics (formerly Invitae), Labcorp
Classification: Likely benign. Last evaluated: 2025-03-30. Review status: criteria provided, single submitter. Criteria: Invitae Variant Classification Sherloc (09022015). Collection method: clinical testing. Allele origin: germline.

PreventionGenetics, part of Exact Sciences
Classification: Likely benign for MCPH1-related condition. Last evaluated: 2019-07-12. Review status: no assertion criteria provided. Collection method: clinical testing. Allele origin: germline. Not counted in ClinVar's aggregate classification.
Comment: This variant is classified as likely benign based on ACMG/AMP sequence variant interpretation guidelines (Richards et al. 2015 PMID: 25741868, with internal and published modifications).